The following is an entry in ClinVar:

ClinVar aggregate classification (germline): Pathogenic/Likely pathogenic. Review status: criteria provided, multiple submitters, no conflicts (2 of 4 stars). 3 submissions from 3 submitters: Pathogenic (1); Likely pathogenic (1). 1 of the submissions does not count toward it. Last evaluated 2024-02-01.

Conditions:
Retinal dystrophy. Also called: Inherited retinal dystrophy. Identifiers: Orphanet 71862, MedGen C0854723, MeSH D058499, MONDO:0019118, HP:0000556.
Enhanced S-cone syndrome (ESCS). Identifiers: Orphanet 53540, MedGen C1849394, MONDO:0100288, MONDO:0009989.

Submissions (3):

Labcorp Genetics (formerly Invitae), Labcorp
Classification: Pathogenic. Last evaluated: 2024-02-01. Review status: criteria provided, single submitter. Criteria: Invitae Variant Classification Sherloc (09022015). Collection method: clinical testing. Allele origin: germline.
Comment: This sequence change creates a premature translational stop signal (p.Glu332Aspfs*8) in the NR2E3 gene. It is expected to result in an absent or disrupted protein product. Loss-of-function variants in NR2E3 are known to be pathogenic (PMID: 15459973, 27522502). This variant is not present in population databases (gnomAD no frequency). This variant has not been reported in the literature in individuals affected with NR2E3-related conditions. Algorithms developed to predict the effect of sequence changes on RNA splicing suggest that this variant may disrupt the consensus splice site. For these reasons, this variant has been classified as Pathogenic.

Baylor Genetics
Classification: Likely pathogenic for ENHANCED S-CONE SYNDROME 1. Last evaluated: 2023-06-05. Review status: criteria provided, single submitter. Criteria: ACMG Guidelines, 2015. Collection method: clinical testing. Allele origin: unknown.

Institute of Human Genetics, Univ. Regensburg, Univ. Regensburg
Classification: Pathogenic for Retinal dystrophy. Last evaluated: 2016-01-01. Review status: no assertion criteria provided. Criteria: ACMG Guidelines, 2015. Collection method: clinical testing. Allele origin: germline. Affected: yes. Not counted in ClinVar's aggregate classification.

Literature cited by the submitters: PubMed 15459973 (cited by Labcorp Genetics (formerly Invitae), Labcorp); PubMed 27522502 (cited by Labcorp Genetics (formerly Invitae), Labcorp).

NM_014249.4(NR2E3):c.996_997del

Gene: NR2E3 (nuclear receptor subfamily 2 group E member 3; plus strand). Cytogenetic location: 15q23.
Variant type: Microsatellite.
Coding change: c.996_997del on transcript NM_014249.4 (MANE Select); coding-DNA positions 996 to 997, 2 bases deleted (GA; older notation c.996_997delGA).
Genome position (GRCh38, 1-based): chr15:71,814,013-71,814,014, GA deleted; deleting any 2 consecutive bases within chr15:71,814,010-71,814,014 gives the same sequence; the c. name uses the placement nearest the transcript's 3' end. VCF-style (leftmost placement, unchanged base first): chr15-71814009-CAG-C. GRCh37 (hg19) VCF-style: chr15-72106350-CAG-C.
Identifiers: ClinVar variation 1942248 (VCV001942248.8), dbSNP rs2054207798, ClinGen allele CA2186514850.